The following is an entry in ClinVar:

NM_001205293.3(CACNA1E):c.1941C>G (p.Ile647Met)

Gene: CACNA1E (calcium voltage-gated channel subunit alpha1 E; plus strand). Cytogenetic location: 1q25.3.
Variant type: single nucleotide variant.
Coding change: c.1941C>G on transcript NM_001205293.3 (MANE Select); coding-DNA position 1941, C replaced by G.
Protein change: p.Ile647Met; replaces isoleucine 647 with methionine.
Molecular consequence: missense variant.
Genome position (GRCh38, 1-based): chr1:181,720,840, C>G. VCF-style: chr1-181720840-C-G. GRCh37 (hg19) VCF-style: chr1-181689976-C-G.
Other names: c.1941C>G, p.Ile647Met (NM_000721.4, NM_001205294.2); short protein forms I647M.
Identifiers: ClinVar variation 3770129 (VCV003770129.1).

ClinVar aggregate classification (germline): Uncertain significance (1 of 4 stars; one submission).

gnomAD v4.1: 1 of 1,611,214 alleles (0.000062%); highest among the groups gnomAD compares: Non-Finnish European, 0.000085%; no homozygotes.

Submission:

GeneDx
Classification: Uncertain significance. Last evaluated: 2024-09-17. Review status: criteria provided, single submitter. Criteria: GeneDx Variant Classification Process June 2021. Collection method: clinical testing. Allele origin: germline. Affected: yes.
Comment: In silico analysis supports that this missense variant has a deleterious effect on protein structure/function; Has not been previously published as pathogenic or benign to our knowledge